The following is an entry in ClinVar:

NM_001289789.1(GPI):c.110+6G>T

Gene: GPI (glucose-6-phosphate isomerase; plus strand). Cytogenetic location: 19q13.11.
Variant type: single nucleotide variant.
Coding change: c.110+6G>T on transcript NM_001289789.1; 6 bases into the intron after coding-DNA position 110, G replaced by T.
Molecular consequence: intron variant. On other transcripts: 5 prime UTR variant (2).
Genome position (GRCh38, 1-based): chr19:34,365,025, G>T. VCF-style: chr19-34365025-G-T. GRCh37 (hg19) VCF-style: chr19-34855930-G-T.
Other names: c.-73G>T (NM_001329909.1); c.-48G>T (NM_001329910.1); c.110+6G>T (NM_001440422.1, NM_001184722.1).
Identifiers: ClinVar variation 3034537 (VCV003034537.2), dbSNP rs1052498132, ClinGen allele CA307652315.
Genomic context (GRCh38, chr19:34,365,025, plus strand): 5'-CCACCCTCCCCACTGCCACTTCCGGGCAGAGGCCAGCAAAGCGGCGGCGCAAGAGGTAGG[G>T]AGAGAGGAGCTGAGGCCCCAGATCAGCGGCCGCGGGCAAGGTCGCTCAGCGGGCACCCGG-3'

ClinVar aggregate classification (germline): Likely benign (0 of 4 stars; one submission).

Conditions:
GPI-related disorder. Also called: GPI-related condition.

Allele frequency attached by ClinVar (database versions not stated): TOPMed 0.00008; gnomAD 0.00007.
gnomAD v4.1: 16 of 1,527,280 alleles (0.001%); highest among the groups gnomAD compares: African/African-American, 0.022%; no homozygotes.

Submission:

PreventionGenetics, part of Exact Sciences
Classification: Likely benign for GPI-related condition. Last evaluated: 2019-08-09. Review status: no assertion criteria provided. Collection method: clinical testing. Allele origin: germline.
Comment: This variant is classified as likely benign based on ACMG/AMP sequence variant interpretation guidelines (Richards et al. 2015 PMID: 25741868, with internal and published modifications).